The following continues an entry in ClinVar:

NM_000329.3(RPE65):c.271C>T (p.Arg91Trp)

Gene: RPE65. ClinVar aggregate classification (germline): Pathogenic. Pathogenic (1).

Submissions 5 to 23 of 23:

3billion
Classification: Pathogenic for Retinitis pigmentosa 20. Last evaluated: 2025-03-18. Review status: criteria provided, single submitter. Criteria: ACMG Guidelines, 2015. Collection method: clinical testing. Allele origin: germline. Affected: yes. Not counted in ClinVar's aggregate classification.
Comment: The variant is observed at an extremely low frequency in the gnomAD v4.1.0 dataset (total allele frequency: 0.007%). Predicted Consequence/Location: Missense variant. Functional studies provide strong evidence of the variant having a damaging effect on the gene or gene product (PMID: 19431183). In silico tool predictions suggest damaging effect of the variant on gene or gene product [REVEL: 0.85 (>=0.6, sensitivity 0.68 and specificity 0.92); 3Cnet: 0.98 (> 0.75, sensitivity 0.96 and precision 0.92)]. The same nucleotide change resulting in the same amino acid change has been previously reported as pathogenic/likely pathogenic with strong evidence (ClinVar ID: VCV000013115 / PMID: 18936139, 9501220 / 3billion dataset). The variant has been observed in multiple (>3) similarly affected unrelated individuals (PMID: 30025081, 34830511, 35129589). The variant has been reported to be in trans with a pathogenic variant as either compound heterozygous or homozygous in at least 2 similarly affected unrelated individuals (PMID: 20079931). Different missense changes at the same codon (p.Arg91Gln, p.Arg91Pro) have been reported as pathogenic/likely pathogenic with strong evidence (ClinVar ID: VCV000098857, VCV000098858 / PMID: 11095629, 17724218, 30025081, 34830511, 35129589).Therefore, this variant is classified as Pathogenic according to the recommendation of ACMG/AMP guideline.

Dubai Health Genomic Medicine Center, Dubai Health
Classification: Pathogenic for Retinitis pigmentosa 20. Last evaluated: 2024-10-04. Review status: criteria provided, single submitter. Criteria: ACMG Guidelines, 2015. Collection method: research. Allele origin: germline. Affected: yes. Not counted in ClinVar's aggregate classification.
Comment: PS3,PM3(strong),PM2,PP3,PP1,PM5

Women's Health and Genetics/Laboratory Corporation of America, LabCorp
Classification: Pathogenic for Leber congenital amaurosis. Last evaluated: 2024-08-02. Review status: criteria provided, single submitter. Criteria: LabCorp Variant Classification Summary - May 2015. Collection method: clinical testing. Allele origin: germline. Not counted in ClinVar's aggregate classification.
Comment: Variant summary: RPE65 c.271C>T (p.Arg91Trp) results in a non-conservative amino acid change in the encoded protein sequence. Five of five in-silico tools predict a damaging effect of the variant on protein function. The variant allele was found at a frequency of 5.6e-05 in 251212 control chromosomes. This frequency is not significantly higher than estimated for a pathogenic variant in RPE65 causing Leber Congenital Amaurosis (5.6e-05 vs 0.0014), allowing no conclusion about variant significance. c.271C>T has been reported in the literature in multiple individuals affected with early-onset retinal degeneration (example: Matri_2006). These data indicate that the variant is very likely to be associated with disease. The following publication has been ascertained in the context of this evaluation (PMID: 16518657). ClinVar contains an entry for this variant (Variation ID: 13115). Based on the evidence outlined above, the variant was classified as pathogenic.

Baylor Genetics
Classification: Pathogenic for Leber congenital amaurosis 2. Last evaluated: 2024-03-27. Review status: criteria provided, single submitter. Criteria: ACMG Guidelines, 2015. Collection method: clinical testing. Allele origin: unknown. Not counted in ClinVar's aggregate classification.

Fulgent Genetics
Classification: Pathogenic for Leber congenital amaurosis 2; Retinitis pigmentosa 20; Retinitis pigmentosa 87 with choroidal involvement. Last evaluated: 2024-03-12. Review status: criteria provided, single submitter. Criteria: ACMG Guidelines, 2015. Collection method: clinical testing. Allele origin: germline. Not counted in ClinVar's aggregate classification.

Blueprint Genetics
Classification: Pathogenic for RPE65-related disorders. Last evaluated: 2024-02-21. Review status: criteria provided, single submitter. Criteria: ACMG Guidelines, 2015. Collection method: clinical testing. Allele origin: germline. Affected: yes. Observed: 5 variant alleles. Not counted in ClinVar's aggregate classification.

CeGaT Center for Human Genetics Tuebingen
Classification: Pathogenic. Last evaluated: 2023-05-01. Review status: criteria provided, single submitter. Criteria: CeGaT Center For Human Genetics Tuebingen Variant Classification Criteria Version 2. Collection method: clinical testing. Allele origin: germline. Affected: yes. Observed: 1 variant allele. Not counted in ClinVar's aggregate classification.
Comment: RPE65: PM3:Very Strong, PM2, PM5, PP3

Revvity Omics, Revvity
Classification: Pathogenic. Last evaluated: 2023-01-13. Review status: criteria provided, single submitter. Criteria: ACMG Guidelines, 2015. Collection method: clinical testing. Allele origin: germline. Not counted in ClinVar's aggregate classification.

GeneDx
Classification: Pathogenic. Last evaluated: 2022-07-19. Review status: criteria provided, single submitter. Criteria: GeneDx Variant Classification Process June 2021. Collection method: clinical testing. Allele origin: germline. Affected: yes. Not counted in ClinVar's aggregate classification.
Comment: Published functional studies demonstrate a damaging effect with decreased enzyme activity, decreased protein expression, and accelerated degradation compared to wild type (Takahashi et al., 2006; Li et al., 2015); This variant is associated with the following publications: (PMID: 16205573, 16518657, 19117922, 17197551, 18936139, 9501220, 18682808, 18539930, 18722466, 11095629, 16505056, 18809924, 30268864, 19431183, 25257057, 25752820, 19854499, 17525851, 24997176, 21911650, 18774912, 10937591, 10766140, 17964524, 17933883, 21304899, 27874104, 26427430, 31054281, 31925606, 22334370, 16754667, 31273949)

Kariminejad - Najmabadi Pathology & Genetics Center
Classification: Pathogenic for Abnormality of the eye. Last evaluated: 2021-07-10. Review status: criteria provided, single submitter. Criteria: ACMG Guidelines, 2015. Collection method: clinical testing. Allele origin: germline. Affected: yes. Not counted in ClinVar's aggregate classification.

Ocular Genomics Institute, Massachusetts Eye and Ear
Classification: Pathogenic for Retinitis pigmentosa 20. Last evaluated: 2021-04-08. Review status: criteria provided, single submitter. Criteria: ACMG Guidelines, 2015. Collection method: research. Allele origin: germline. Affected: yes. Not counted in ClinVar's aggregate classification.
Comment: Through a review of available evidence we were able to apply the following criteria: PS3, PP1-S, PM2. Based on this evidence we have classified this variant as Pathogenic.

Institute of Human Genetics, Univ. Regensburg, Univ. Regensburg
Classification: Pathogenic for Retinal dystrophy. Last evaluated: 2020-01-01. Review status: criteria provided, single submitter. Criteria: ACMG Guidelines, 2015. Collection method: clinical testing. Allele origin: germline. Affected: yes. Not counted in ClinVar's aggregate classification.

UNC Molecular Genetics  Laboratory, University of North Carolina at Chapel Hill
Classification: Pathogenic for RPE65-Related Disorders; Leber congenital amaurosis; Retinitis pigmentosa 20. Review status: criteria provided, single submitter. Criteria: ACMG Guidelines, 2015. Collection method: research. Allele origin: germline. Affected: no. Observed: 1 variant allele. Study: NSIGHT-NC NEXUS. Not counted in ClinVar's aggregate classification.
Comment: The RPE65 c.271C>T (p.R91W) variant has been reported in the homozygous or compound heterozygous state in individuals with Leber congenital amaurosis, retinitis pigmentosa, or inherited retinal degeneration (PMID: 9501220; 10937591; 11095629; 18682808; 19117922; 21153841).

carrier finding

Department of Clinical Genetics, Copenhagen University Hospital, Rigshospitalet
Classification: Pathogenic for Retinitis pigmentosa. Last evaluated: 2018-04-01. Review status: no assertion criteria provided. Collection method: research. Allele origin: unknown. Affected: yes. Study: VeluxRD. Not counted in ClinVar's aggregate classification.

Counsyl
Classification: Pathogenic for Leber congenital amaurosis 2; Retinitis pigmentosa 20. Last evaluated: 2017-09-26. Review status: no assertion criteria provided. Collection method: clinical testing. Allele origin: unknown. Not counted in ClinVar's aggregate classification.

Faculty of Health Sciences, Beirut Arab University
Classification: Pathogenic for Autosomal recessive Retinitis Pigmentosa. Last evaluated: 2016-11-22. Review status: no assertion criteria provided. Collection method: literature only. Allele origin: germline. Affected: yes. Observed: 2 variant alleles. Not counted in ClinVar's aggregate classification.

OMIM
Classification: Pathogenic for RETINITIS PIGMENTOSA 20. Last evaluated: 1998-03-17. Review status: no assertion criteria provided. Collection method: literature only. Allele origin: germline. Not counted in ClinVar's aggregate classification.

Laboratory of Genetics in Ophthalmology, Institut Imagine
Classification: Likely pathogenic for Leber congenital amaurosis 2. Review status: no assertion criteria provided. Collection method: research. Allele origin: inherited. Affected: yes. Observed: 1 variant allele. Not counted in ClinVar's aggregate classification.

Retina International
No classification provided. Review status: no classification provided. Collection method: not provided. Allele origin: not provided. Not counted in ClinVar's aggregate classification.

Literature cited by the submitters: PubMed 9501220 (cited by 6 submitters); PubMed 10766140 (cited by Labcorp Genetics (formerly Invitae), Labcorp and Ocular Genomics Institute, Massachusetts Eye and Ear); PubMed 10937591 (cited by 3 submitters); PubMed 11095629 (cited by 5 submitters); PubMed 18682808 (cited by 4 submitters); PubMed 26626312 (cited by Labcorp Genetics (formerly Invitae), Labcorp and Ocular Genomics Institute, Massachusetts Eye and Ear); PubMed 16754667 (cited by 5 submitters); PubMed 25752820 (cited by 4 submitters); PubMed 33952291 (cited by Natera, Inc.); PubMed 19431183 (cited by 5 submitters); PubMed 18936139 (cited by 3billion); PubMed 34830511 (cited by 3billion and Institute of Human Genetics, Univ. Regensburg, Univ. Regensburg); PubMed 30025081 (cited by 3billion); PubMed 35129589 (cited by 3billion); PubMed 20079931 (cited by 3billion); PubMed 16518657 (cited by Women's Health and Genetics/Laboratory Corporation of America, LabCorp); PubMed 30718709 (cited by Ocular Genomics Institute, Massachusetts Eye and Ear and Department of Clinical Genetics, Copenhagen University Hospital, Rigshospitalet); PubMed 21153841 (cited by 3 submitters); PubMed 19117922 (cited by 3 submitters); PubMed 17525851 (cited by Institute of Human Genetics, Univ. Regensburg, Univ. Regensburg); PubMed 17933883 (cited by Institute of Human Genetics, Univ. Regensburg, Univ. Regensburg); PubMed 19854499 (cited by Institute of Human Genetics, Univ. Regensburg, Univ. Regensburg); PubMed 25257057 (cited by Institute of Human Genetics, Univ. Regensburg, Univ. Regensburg); PubMed 27874104 (cited by Institute of Human Genetics, Univ. Regensburg, Univ. Regensburg and Faculty of Health Sciences, Beirut Arab University); PubMed 26427430 (cited by Institute of Human Genetics, Univ. Regensburg, Univ. Regensburg); PubMed 30268864 (cited by Institute of Human Genetics, Univ. Regensburg, Univ. Regensburg); PubMed 31054281 (cited by Institute of Human Genetics, Univ. Regensburg, Univ. Regensburg); PubMed 31273949 (cited by Institute of Human Genetics, Univ. Regensburg, Univ. Regensburg); PubMed 31964843 (cited by Institute of Human Genetics, Univ. Regensburg, Univ. Regensburg); PubMed 31925606 (cited by Institute of Human Genetics, Univ. Regensburg, Univ. Regensburg); PubMed 32579692 (cited by Institute of Human Genetics, Univ. Regensburg, Univ. Regensburg); PubMed 31816670 (cited by Institute of Human Genetics, Univ. Regensburg, Univ. Regensburg); PubMed 34374989 (cited by Institute of Human Genetics, Univ. Regensburg, Univ. Regensburg); PubMed 36460718 (cited by Institute of Human Genetics, Univ. Regensburg, Univ. Regensburg).